The following is an entry in ClinVar:

ClinVar aggregate classification (germline): Uncertain significance. Review status: criteria provided, multiple submitters, no conflicts (2 of 4 stars). 3 submissions from 3 submitters: Uncertain significance (3). Last evaluated 2024-03-12.

Conditions:
Autosomal recessive Alport syndrome (ATS2). Also called: COL4A4 Alport Syndrome and Thin Basement Membrane Nephropathy; COL4A3-Related Nephropathy; Alport syndrome type 2; ALPORT SYNDROME 2, AUTOSOMAL RECESSIVE. Identifiers: Orphanet 63, Orphanet 88919, MedGen C4746745, MONDO:0008762, OMIM 203780.
Hematuria, benign familial, 1 (BFH1). Also called: THIN MEMBRANE NEPHROPATHY. Identifiers: MedGen CN376803, MONDO:0007709, OMIM 141200.
Inborn genetic diseases. Identifiers: MedGen C0950123, MeSH D030342.

Allele frequency attached by ClinVar (database versions not stated): gnomAD exomes 0.00002; ExAC 0.00003; gnomAD 0.00003; ESP Exome Variant Server 0.00008; TOPMed 0.00039.
gnomAD v4.1: 80 of 1,613,036 alleles (0.005%); highest among the groups gnomAD compares: Non-Finnish European, 0.003%; no homozygotes.

Submissions (3):

Fulgent Genetics
Classification: Uncertain significance for Hematuria, benign familial, 1; Autosomal recessive Alport syndrome. Last evaluated: 2024-03-12. Review status: criteria provided, single submitter. Criteria: ACMG Guidelines, 2015. Collection method: clinical testing. Allele origin: germline.

Ambry Genetics
Classification: Uncertain significance for Inborn genetic diseases. Last evaluated: 2022-10-26. Review status: criteria provided, single submitter. Criteria: Ambry Variant Classification Scheme 2023. Collection method: clinical testing. Allele origin: germline.

Labcorp Genetics (formerly Invitae), Labcorp
Classification: Uncertain significance. Last evaluated: 2022-05-10. Review status: criteria provided, single submitter. Criteria: Invitae Variant Classification Sherloc (09022015). Collection method: clinical testing. Allele origin: germline.
Comment: This sequence change replaces tyrosine, which is neutral and polar, with cysteine, which is neutral and slightly polar, at codon 268 of the COL4A4 protein (p.Tyr268Cys). This variant is present in population databases (rs372007783, gnomAD 0.007%). This variant has not been reported in the literature in individuals affected with COL4A4-related conditions. Advanced modeling of protein sequence and biophysical properties (such as structural, functional, and spatial information, amino acid conservation, physicochemical variation, residue mobility, and thermodynamic stability) performed at Invitae indicates that this missense variant is not expected to disrupt COL4A4 protein function. In summary, the available evidence is currently insufficient to determine the role of this variant in disease. Therefore, it has been classified as a Variant of Uncertain Significance.

NM_000092.5(COL4A4):c.803A>G (p.Tyr268Cys)

Gene: COL4A4 (collagen type IV alpha 4 chain; minus strand). Cytogenetic location: 2q36.3.
Variant type: single nucleotide variant.
Coding change: c.803A>G on transcript NM_000092.5 (MANE Select); coding-DNA position 803, A replaced by G.
Protein change: p.Tyr268Cys; replaces tyrosine 268 with cysteine.
Molecular consequence: missense variant.
Genome position (GRCh38, 1-based): chr2:227,103,985, T>C on the plus strand (A>G on the coding strand, the complement: COL4A4 is on the minus strand). VCF-style: chr2-227103985-T-C. GRCh37 (hg19) VCF-style: chr2-227968701-T-C.
Other names: short protein forms Y268C.
Identifiers: ClinVar variation 2199478 (VCV002199478.3), dbSNP rs372007783, ClinGen allele CA2145426.
Genomic context (GRCh38, chr2:227,103,985, plus strand): 5'-ATTTTCTACTGCTACTTTCCAAGGTGACATATGGATTTGGGAATTACCTTTTCTCCTTTA[T>C]AGAGACAAAAGTCAGGTGGCTCTACCAACAGGGTGGGTCCAGGAGAACCTTGCTGACCAA-3'
Protein context (NP_000083.3, residues 258-278): LLVEPPDFCL[Tyr268Cys]KGEKGIKGIP